The following is an entry in ClinVar:

ClinVar aggregate classification (germline): Likely benign (1 of 4 stars; one submission).

Submission:

CeGaT Center for Human Genetics Tuebingen
Classification: Likely benign. Last evaluated: 2024-09-01. Review status: criteria provided, single submitter. Criteria: CeGaT Center For Human Genetics Tuebingen Variant Classification Criteria Version 2. Collection method: clinical testing. Allele origin: germline. Affected: yes. Observed: 1 variant allele.
Comment: MYO18B: BP4, BP7

NM_032608.7(MYO18B):c.531T>G (p.Pro177=)

Gene: MYO18B (myosin XVIIIB; plus strand). Cytogenetic location: 22q12.1.
Variant type: single nucleotide variant.
Coding change: c.531T>G on transcript NM_032608.7 (MANE Select); coding-DNA position 531, T replaced by G.
Protein change: p.Pro177=; no amino-acid change (proline 177 retained).
Molecular consequence: synonymous variant.
Genome position (GRCh38, 1-based): chr22:25,768,447, T>G. VCF-style: chr22-25768447-T-G. GRCh37 (hg19) VCF-style: chr22-26164414-T-G.
Other names: c.531T>G, p.Pro177= (NM_001318245.2).
Identifiers: ClinVar variation 3388577 (VCV003388577.14).